The following is an entry in ClinVar:

NM_000363.5(TNNI3):c.25-2A>C

Gene: TNNI3 (troponin I3, cardiac type; minus strand). Cytogenetic location: 19q13.42.
Variant type: single nucleotide variant.
Coding change: c.25-2A>C on transcript NM_000363.5 (MANE Select); the canonical splice acceptor site of the intron before coding-DNA position 25, A replaced by C.
Molecular consequence: splice acceptor variant.
Genome position (GRCh38, 1-based): chr19:55,157,135, T>G on the plus strand (A>C on the coding strand, the complement: TNNI3 is on the minus strand). VCF-style: chr19-55157135-T-G. GRCh37 (hg19) VCF-style: chr19-55668503-T-G.
Identifiers: ClinVar variation 5043518 (VCV005043518.1).

ClinVar aggregate classification (germline): Uncertain significance (1 of 4 stars; one submission).

Conditions:
Hypertrophic cardiomyopathy 7. Also called: TNNI3-Related Familial Hypertrophic Cardiomyopathy; Familial hypertrophic cardiomyopathy 7; CARDIOMYOPATHY, FAMILIAL HYPERTROPHIC, 7, MODIFIER OF. Identifiers: MedGen C1860752, MONDO:0013369, OMIM 613690.

Submission:

Institute of Human Genetics, University of Goettingen
Classification: Uncertain significance for Hypertrophic cardiomyopathy 7. Last evaluated: 2026-03-17. Review status: criteria provided, single submitter. Criteria: ACMG Guidelines, 2015. Collection method: clinical testing. Allele origin: germline. Inheritance: Autosomal dominant inheritance. Affected: yes. Observed: 1 variant allele, 1 heterozygote.
Comment: ACMG: PM2_SUP, PP3